The following is an entry in ClinVar:

ClinVar aggregate classification (germline): Uncertain significance (1 of 4 stars; one submission).

Allele frequency attached by ClinVar (database versions not stated): ESP Exome Variant Server 0.00008.
gnomAD v4.1: 3 of 1,614,018 alleles (0.00019%); highest among the groups gnomAD compares: Admixed American, 0.0017%; no homozygotes.

Submission:

Labcorp Genetics (formerly Invitae), Labcorp
Classification: Uncertain significance. Last evaluated: 2024-05-06. Review status: criteria provided, single submitter. Criteria: Invitae Variant Classification Sherloc (09022015). Collection method: clinical testing. Allele origin: germline.
Comment: This sequence change replaces aspartic acid, which is acidic and polar, with histidine, which is basic and polar, at codon 840 of the ADAMTS17 protein (p.Asp840His). This variant is not present in population databases (gnomAD no frequency). This variant has not been reported in the literature in individuals affected with ADAMTS17-related conditions. ClinVar contains an entry for this variant (Variation ID: 2133699). An algorithm developed to predict the effect of missense changes on protein structure and function (PolyPhen-2) suggests that this variant is likely to be disruptive. In summary, the available evidence is currently insufficient to determine the role of this variant in disease. Therefore, it has been classified as a Variant of Uncertain Significance.

NM_139057.4(ADAMTS17):c.2518G>C (p.Asp840His)

Gene: ADAMTS17 (ADAM metallopeptidase with thrombospondin type 1 motif 17; minus strand). Cytogenetic location: 15q26.3.
Variant type: single nucleotide variant.
Coding change: c.2518G>C on transcript NM_139057.4 (MANE Select); coding-DNA position 2518, G replaced by C.
Protein change: p.Asp840His; replaces aspartic acid 840 with histidine.
Molecular consequence: missense variant.
Genome position (GRCh38, 1-based): chr15:100,048,930, C>G on the plus strand (G>C on the coding strand, the complement: ADAMTS17 is on the minus strand). VCF-style: chr15-100048930-C-G. GRCh37 (hg19) VCF-style: chr15-100589135-C-G.
Other names: short protein forms D840H.
Identifiers: ClinVar variation 2133699 (VCV002133699.3), dbSNP rs147316982, ClinGen allele CA275472970.
Genomic context (GRCh38, chr15:100,048,930, plus strand): 5'-GGTGCAAGTTGCACCTTCGGACCTGGGGCTCTGGGCGGCTTGCTTGAGGGCAGTCACTGT[C>G]GTTCACCAGAGTTGTGGTCTTGTTGACAATCCGTGTACACGAGACGATGGTTCTGCGCTC-3'
Protein context (NP_620688.2, residues 830-850): IVNKTTTLVN[Asp840His]SDCPQASRPE